The following is an entry in ClinVar:

ClinVar aggregate classification (germline): Pathogenic (1 of 4 stars; one submission).

Conditions:
Acrocallosal syndrome (ACLS). Also called: HALLUX DUPLICATION, POSTAXIAL POLYDACTYLY, AND ABSENCE OF CORPUS CALLOSUM; Schinzel syndrome 1; Absence of corpus callosum with unusual facial appearance, mental deficiency, duplication of the halluces and polydactyly. Identifiers: Orphanet 36, MedGen C0796147, MONDO:0008708, OMIM 200990.

Submission:

Labcorp Genetics (formerly Invitae), Labcorp
Classification: Pathogenic for Acrocallosal syndrome. Last evaluated: 2025-04-24. Review status: criteria provided, single submitter. Criteria: Invitae Variant Classification Sherloc (09022015). Collection method: clinical testing. Allele origin: germline.
Comment: This sequence change creates a premature translational stop signal (p.His209Thrfs*15) in the KIF7 gene. It is expected to result in an absent or disrupted protein product. Loss-of-function variants in KIF7 are known to be pathogenic (PMID: 19666503, 21552264, 21633164, 26648833). This variant is not present in population databases (gnomAD no frequency). This variant has not been reported in the literature in individuals affected with KIF7-related conditions. For these reasons, this variant has been classified as Pathogenic.

Literature cited by the submitters: PubMed 19666503; PubMed 21552264; PubMed 21633164; PubMed 26648833.

NM_198525.3(KIF7):c.625del (p.His209fs)

Gene: KIF7 (kinesin family member 7; minus strand). Cytogenetic location: 15q26.1.
Variant type: Deletion.
Coding change: c.625del on transcript NM_198525.3 (MANE Select); coding-DNA position 625, one base deleted (C; older notation c.625delC).
Protein change: p.His209fs; shifts the reading frame from histidine 209.
Molecular consequence: frameshift variant.
Genome position (GRCh38, 1-based): chr15:89,649,272, G deleted on the plus strand (C on the coding strand, the reverse complement: KIF7 is on the minus strand). VCF-style (leftmost placement, unchanged base first): chr15-89649271-TG-T. GRCh37 (hg19) VCF-style: chr15-90192502-TG-T.
Other names: short protein forms H209fs.
Identifiers: ClinVar variation 4717874 (VCV004717874.1).